The following is an entry in ClinVar:

ClinVar aggregate classification (germline): Likely benign (1 of 4 stars; one submission).

Conditions:
Breast-ovarian cancer, familial, susceptibility to, 2 (BROVCA2). Also called: BRCA2 Hereditary Breast and Ovarian Cancer. Identifiers: Orphanet 145, MedGen C2675520, MONDO:0012933, OMIM 612555. Disease mechanism: loss of function.

gnomAD v4.1: 1 of 1,614,160 alleles (0.000062%); highest among the groups gnomAD compares: Non-Finnish European, 0.000085%; no homozygotes.

Submission:

Cancer Bioinformatics and Tumour Evolution Laboratory, Monash University
Classification: Likely benign for Breast-ovarian cancer, familial, susceptibility to, 2. Last evaluated: 2026-05-01. Review status: criteria provided, single submitter. Criteria: ClinGen BRCA1 and BRCA2 Guidelines, 2024. Collection method: curation. Allele origin: germline. Inheritance: Autosomal dominant inheritance.
Comment: Missense variant outside of a functional domain with no splice impact. BRCA1 and BRCA2 VCEP guidelines recommend application of BP1_Strong (PMID: 39142283)

NM_000059.4(BRCA2):c.10157G>A (p.Cys3386Tyr)

Gene: BRCA2 (BRCA2 DNA repair associated; plus strand). Cytogenetic location: 13q13.1.
Variant type: single nucleotide variant.
Coding change: c.10157G>A on transcript NM_000059.4 (MANE Select); coding-DNA position 10157, G replaced by A.
Protein change: p.Cys3386Tyr; replaces cysteine 3386 with tyrosine.
Molecular consequence: missense variant. On other transcripts: non-coding transcript variant (1).
Genome position (GRCh38, 1-based): chr13:32,398,670, G>A. VCF-style: chr13-32398670-G-A. GRCh37 (hg19) VCF-style: chr13-32972807-G-A.
Other names: c.10061G>A, p.Cys3354Tyr (NM_001406719.1); c.10106G>A, p.Cys3369Tyr (NM_001406720.1); c.5225G>A, p.Cys1742Tyr (NM_001406721.1); c.3740G>A, p.Cys1247Tyr (NM_001406722.1); c.10157G>A, p.Cys3386Tyr (NM_001432077.1); short protein forms C1247Y, C1742Y, C3354Y, C3369Y, C3386Y.
Identifiers: ClinVar variation 4856506 (VCV004856506.1).